The following is an entry in ClinVar:

ClinVar aggregate classification (germline): Uncertain significance (1 of 4 stars; one submission).

Submission:

Labcorp Genetics (formerly Invitae), Labcorp
Classification: Uncertain significance. Last evaluated: 2022-05-10. Review status: criteria provided, single submitter. Criteria: Invitae Variant Classification Sherloc (09022015). Collection method: clinical testing. Allele origin: germline.
Comment: In summary, the available evidence is currently insufficient to determine the role of this variant in disease. Therefore, it has been classified as a Variant of Uncertain Significance. Algorithms developed to predict the effect of missense changes on protein structure and function output the following: SIFT: "Tolerated"; PolyPhen-2: "Benign"; Align-GVGD: "Class C0". The isoleucine amino acid residue is found in multiple mammalian species, which suggests that this missense change does not adversely affect protein function. This variant has not been reported in the literature in individuals affected with C3-related conditions. This variant is not present in population databases (gnomAD no frequency). This sequence change replaces methionine, which is neutral and non-polar, with isoleucine, which is neutral and non-polar, at codon 791 of the C3 protein (p.Met791Ile).

NM_000064.4(C3):c.2373G>T (p.Met791Ile)

Gene: C3 (complement C3; minus strand). Cytogenetic location: 19p13.3.
Variant type: single nucleotide variant.
Coding change: c.2373G>T on transcript NM_000064.4 (MANE Select); coding-DNA position 2373, G replaced by T.
Protein change: p.Met791Ile; replaces methionine 791 with isoleucine.
Molecular consequence: missense variant.
Genome position (GRCh38, 1-based): chr19:6,702,194, C>A on the plus strand (G>T on the coding strand, the complement: C3 is on the minus strand). VCF-style: chr19-6702194-C-A. GRCh37 (hg19) VCF-style: chr19-6702205-C-A.
Other names: short protein forms M791I.
Identifiers: ClinVar variation 2053806 (VCV002053806.4), dbSNP rs771980153, ClinGen allele CA403635059.